The following is an entry in ClinVar:

NM_024577.4(SH3TC2):c.656G>A (p.Gly219Asp)

Gene: SH3TC2 (SH3 domain and tetratricopeptide repeats 2; minus strand). Cytogenetic location: 5q32.
Variant type: single nucleotide variant.
Coding change: c.656G>A on transcript NM_024577.4 (MANE Select); coding-DNA position 656, G replaced by A.
Protein change: p.Gly219Asp; replaces glycine 219 with aspartic acid.
Molecular consequence: missense variant.
Genome position (GRCh38, 1-based): chr5:149,041,491, C>T on the plus strand (G>A on the coding strand, the complement: SH3TC2 is on the minus strand). VCF-style: chr5-149041491-C-T. GRCh37 (hg19) VCF-style: chr5-148421054-C-T.
Other names: short protein forms G219D.
Identifiers: ClinVar variation 964016 (VCV000964016.9), dbSNP rs748374150, ClinGen allele CA361674423.

ClinVar aggregate classification (germline): Uncertain significance (1 of 4 stars; one submission).

Conditions:
Charcot-Marie-Tooth disease type 4. Also called: Charcot-Marie-Tooth disease, type IV; Charcot-Marie-Tooth, Type 4. Identifiers: Orphanet 64749, MedGen C4082197, MONDO:0018995.

Allele frequency attached by ClinVar (database versions not stated): TOPMed below 0.00001.

Submission:

Labcorp Genetics (formerly Invitae), Labcorp
Classification: Uncertain significance for Charcot-Marie-Tooth disease type 4. Last evaluated: 2022-07-20. Review status: criteria provided, single submitter. Criteria: Invitae Variant Classification Sherloc (09022015). Collection method: clinical testing. Allele origin: germline.
Comment: This sequence change replaces glycine, which is neutral and non-polar, with aspartic acid, which is acidic and polar, at codon 219 of the SH3TC2 protein (p.Gly219Asp). This variant is not present in population databases (gnomAD no frequency). In summary, the available evidence is currently insufficient to determine the role of this variant in disease. Therefore, it has been classified as a Variant of Uncertain Significance. Advanced modeling of protein sequence and biophysical properties (such as structural, functional, and spatial information, amino acid conservation, physicochemical variation, residue mobility, and thermodynamic stability) performed at Invitae indicates that this missense variant is not expected to disrupt SH3TC2 protein function. ClinVar contains an entry for this variant (Variation ID: 964016). This variant has not been reported in the literature in individuals affected with SH3TC2-related conditions.